The following is an entry in ClinVar:

ClinVar aggregate classification (germline): Uncertain significance (1 of 4 stars; one submission).

Conditions:
Inborn genetic diseases. Identifiers: MedGen C0950123, MeSH D030342.

Submission:

Ambry Genetics
Classification: Uncertain significance for Inborn genetic diseases. Last evaluated: 2022-01-13. Review status: criteria provided, single submitter. Criteria: Ambry Variant Classification Scheme 2023. Collection method: clinical testing. Allele origin: germline.
Comment: Loss of function has not been clearly established as a mechanism of disease Based on insufficient or conflicting evidence, the clinical significance of this alteration remains unclear.

NM_015178.3(RHOBTB2):c.1684dup (p.Met562fs)

Gene: RHOBTB2 (Rho related BTB domain containing 2; plus strand). Cytogenetic location: 8p21.3.
Variant type: Duplication.
Coding change: c.1684dup on transcript NM_015178.3 (MANE Select); coding-DNA position 1684, one base duplicated (A; older notation c.1684dupA).
Protein change: p.Met562fs; shifts the reading frame from methionine 562.
Molecular consequence: frameshift variant.
Genome position (GRCh38, 1-based): chr8:23,010,601, A duplicated. VCF-style (leftmost placement, unchanged base first): chr8-23010600-C-CA. GRCh37 (hg19) VCF-style: chr8-22868113-C-CA.
Other names: c.1750dup, p.Met584fs (NM_001160036.2); c.1705dup, p.Met569fs (NM_001160037.2); c.1684dup, p.Met562fs (NM_001374791.1); short protein forms M569fs, M584fs, M562fs.
Identifiers: ClinVar variation 2264390 (VCV002264390.2), dbSNP rs2487028878, ClinGen allele CA2580078080.